The following is an entry in ClinVar:

NM_000138.5(FBN1):c.1761T>C (p.Cys587=)

Gene: FBN1 (fibrillin 1; minus strand). Cytogenetic location: 15q21.1.
Variant type: single nucleotide variant.
Coding change: c.1761T>C on transcript NM_000138.5 (MANE Select); coding-DNA position 1761, T replaced by C.
Protein change: p.Cys587=; no amino-acid change (cysteine 587 retained).
Molecular consequence: synonymous variant.
Genome position (GRCh38, 1-based): chr15:48,508,658, A>G on the plus strand (T>C on the coding strand, the complement: FBN1 is on the minus strand). VCF-style: chr15-48508658-A-G. GRCh37 (hg19) VCF-style: chr15-48800855-A-G.
Identifiers: ClinVar variation 413898 (VCV000413898.14), dbSNP rs1060504143, ClinGen allele CA16614449.

ClinVar aggregate classification (germline): Likely benign. Review status: criteria provided, multiple submitters, no conflicts (2 of 4 stars). 4 submissions from 4 submitters: Likely benign (4). Last evaluated 2024-07-26.

Conditions:
Marfan syndrome (MFS). Also called: Marfan syndrome, classic; Marfan syndrome type 1; Marfan's syndrome; MARFAN SYNDROME, TYPE I; FBN1-Related Marfan Syndrome. Identifiers: Orphanet 284963, Orphanet 558, MedGen C0024796, MONDO:0007947, OMIM 154700.
Familial thoracic aortic aneurysm and aortic dissection (TAAD). Also called: Thoracic aortic aneurysms and dissections. Identifiers: Orphanet 91387, MedGen C4707243, MONDO:0019625.

Allele frequency attached by ClinVar (database versions not stated): gnomAD exomes below 0.00001 and 0.00001; TOPMed 0.00001.
gnomAD v4.1: 18 of 1,613,830 alleles (0.0011%); highest among the groups gnomAD compares: Non-Finnish European, 0.0015%; no homozygotes.

Submissions (4):

Labcorp Genetics (formerly Invitae), Labcorp
Classification: Likely benign for Marfan syndrome; Familial thoracic aortic aneurysm and aortic dissection. Last evaluated: 2024-07-26. Review status: criteria provided, single submitter. Criteria: Invitae Variant Classification Sherloc (09022015). Collection method: clinical testing. Allele origin: germline.

All of Us Research Program, National Institutes of Health
Classification: Likely benign for Marfan syndrome. Last evaluated: 2023-10-02. Review status: criteria provided, single submitter. Criteria: ACMG Guidelines, 2015. Collection method: clinical testing. Allele origin: germline. Inheritance: Autosomal dominant inheritance. Observed: 2 variant alleles, 2 heterozygotes.
Comment: This study involves interpretation of variants in research participants for the purpose of population health screening. Participant phenotype was not available at the time of variant classification. Additional details can be found in publication PMID: 35346344, PMCID: PMC8962531

Ambry Genetics
Classification: Likely benign for Familial thoracic aortic aneurysm and aortic dissection. Last evaluated: 2021-02-22. Review status: criteria provided, single submitter. Criteria: Ambry Variant Classification Scheme 2023. Collection method: clinical testing. Allele origin: germline.

Color Diagnostics, LLC DBA Color Health
Classification: Likely benign for Familial thoracic aortic aneurysm and aortic dissection. Last evaluated: 2021-01-25. Review status: criteria provided, single submitter. Criteria: ACMG Guidelines, 2015. Collection method: clinical testing. Allele origin: germline.